The following is an entry in ClinVar:

NM_001032283.3(TMPO):c.565+2181T>A

Gene: TMPO (thymopoietin; plus strand). Cytogenetic location: 12q23.1.
Variant type: single nucleotide variant.
Coding change: c.565+2181T>A on transcript NM_001032283.3 (MANE Select); 2181 bases into the intron after coding-DNA position 565, T replaced by A.
Molecular consequence: intron variant. On other transcripts: missense variant (1).
Genome position (GRCh38, 1-based): chr12:98,534,019, T>A. VCF-style: chr12-98534019-T-A. GRCh37 (hg19) VCF-style: chr12-98927797-T-A.
Other names: c.1762T>A, p.Phe588Ile (NM_003276.2); c.565+2181T>A (NM_001307975.2, NM_001032284.3); short protein forms F588I.
Identifiers: ClinVar variation 2643225 (VCV002643225.24), dbSNP rs2548504810, ClinGen allele CA386153879.
Genomic context (GRCh38, chr12:98,534,019, plus strand): 5'-GCACTCTGTAGAGCATATGAAGCTGCAGCATCAGCATTGCAGATTGCAACTCACACTGCC[T>A]TTGTAGCTAAGGCTATGCAGGCAGACATTAGTCAAGCTGCACAGATTCTTAGCTCAGATC-3'

ClinVar aggregate classification (germline): Uncertain significance (1 of 4 stars; one submission).

Submission:

CeGaT Center for Human Genetics Tuebingen
Classification: Uncertain significance. Last evaluated: 2023-03-01. Review status: criteria provided, single submitter. Criteria: CeGaT Center For Human Genetics Tuebingen Variant Classification Criteria Version 2. Collection method: clinical testing. Allele origin: germline. Affected: yes. Observed: 1 variant allele.
Comment: TMPO: PM2, BP4